The following is an entry in ClinVar:

ClinVar aggregate classification (germline): Uncertain significance (1 of 4 stars; one submission).

Allele frequency attached by ClinVar (database versions not stated): ExAC 0.00001; gnomAD exomes 0.00001.
gnomAD v4.1: 14 of 1,614,256 alleles (0.00087%); highest among the groups gnomAD compares: South Asian, 0.0055%; no homozygotes.

Submission:

Labcorp Genetics (formerly Invitae), Labcorp
Classification: Uncertain significance. Last evaluated: 2022-08-10. Review status: criteria provided, single submitter. Criteria: Invitae Variant Classification Sherloc (09022015). Collection method: clinical testing. Allele origin: germline.
Comment: Advanced modeling of protein sequence and biophysical properties (such as structural, functional, and spatial information, amino acid conservation, physicochemical variation, residue mobility, and thermodynamic stability) performed at Invitae indicates that this missense variant is not expected to disrupt SLC12A3 protein function. This variant has not been reported in the literature in individuals affected with SLC12A3-related conditions. This variant is present in population databases (rs746898667, gnomAD 0.003%). This sequence change replaces alanine, which is neutral and non-polar, with serine, which is neutral and polar, at codon 356 of the SLC12A3 protein (p.Ala356Ser). In summary, the available evidence is currently insufficient to determine the role of this variant in disease. Therefore, it has been classified as a Variant of Uncertain Significance.

NM_001126108.2(SLC12A3):c.1066G>T (p.Ala356Ser)

Gene: SLC12A3 (solute carrier family 12 member 3; plus strand). Cytogenetic location: 16q13.
Variant type: single nucleotide variant.
Coding change: c.1066G>T on transcript NM_001126108.2 (MANE Select); coding-DNA position 1066, G replaced by T.
Protein change: p.Ala356Ser; replaces alanine 356 with serine.
Molecular consequence: missense variant.
Genome position (GRCh38, 1-based): chr16:56,872,757, G>T. VCF-style: chr16-56872757-G-T. GRCh37 (hg19) VCF-style: chr16-56906669-G-T.
Other names: c.1066G>T, p.Ala356Ser (NM_000339.3); c.1063G>T, p.Ala355Ser (NM_001126107.2, NM_001410896.1); short protein forms A355S, A356S.
Identifiers: ClinVar variation 1979059 (VCV001979059.4), dbSNP rs746898667, ClinGen allele CA8069311.